The following is an entry in ClinVar:

ClinVar aggregate classification (germline): Uncertain significance (1 of 4 stars; one submission).

Conditions:
Catecholaminergic polymorphic ventricular tachycardia 1. Also called: RYR2-Related Catecholaminergic Polymorphic Ventricular Tachycardia; VENTRICULAR TACHYCARDIA, STRESS-INDUCED POLYMORPHIC 1; VENTRICULAR TACHYCARDIA, CATECHOLAMINERGIC POLYMORPHIC, 1, WITH OR WITHOUT ATRIAL DYSFUNCTION AND/OR DILATED CARDIOMYOPATHY. Identifiers: Orphanet 3286, MedGen C1631597, MONDO:0011484, OMIM 604772.

Submission:

Labcorp Genetics (formerly Invitae), Labcorp
Classification: Uncertain significance for Catecholaminergic polymorphic ventricular tachycardia 1. Last evaluated: 2024-06-03. Review status: criteria provided, single submitter. Criteria: Invitae Variant Classification Sherloc (09022015). Collection method: clinical testing. Allele origin: germline.
Comment: This sequence change replaces aspartic acid, which is acidic and polar, with glutamic acid, which is acidic and polar, at codon 472 of the TRDN protein (p.Asp472Glu). This variant is not present in population databases (gnomAD no frequency). This variant has not been reported in the literature in individuals affected with TRDN-related conditions. ClinVar contains an entry for this variant (Variation ID: 1517228). Advanced modeling of protein sequence and biophysical properties (such as structural, functional, and spatial information, amino acid conservation, physicochemical variation, residue mobility, and thermodynamic stability) performed at Invitae indicates that this missense variant is not expected to disrupt TRDN protein function with a negative predictive value of 80%. In summary, the available evidence is currently insufficient to determine the role of this variant in disease. Therefore, it has been classified as a Variant of Uncertain Significance.

NM_006073.4(TRDN):c.1416T>G (p.Asp472Glu)

Gene: TRDN (triadin; minus strand). Cytogenetic location: 6q22.31.
Variant type: single nucleotide variant.
Coding change: c.1416T>G on transcript NM_006073.4 (MANE Select); coding-DNA position 1416, T replaced by G.
Protein change: p.Asp472Glu; replaces aspartic acid 472 with glutamic acid.
Molecular consequence: missense variant.
Genome position (GRCh38, 1-based): chr6:123,337,623, A>C on the plus strand (T>G on the coding strand, the complement: TRDN is on the minus strand). VCF-style: chr6-123337623-A-C. GRCh37 (hg19) VCF-style: chr6-123658768-A-C.
Other names: short protein forms D472E.
Identifiers: ClinVar variation 1517228 (VCV001517228.8), dbSNP rs1464407707, ClinGen allele CA365564722.
Genomic context (GRCh38, chr6:123,337,623, plus strand): 5'-CAATAATATATATTTCCTAATAAATTTGTAATATTATATTAAATTAACTCTGTTACCTTT[A>C]TCTTTCAGAATTGAAGAAGTCTTCCCAGATTTTTCTTTTCTAATTTCTGCAAGAGAGATC-3'
Protein context (NP_006064.2, residues 462-482): KSGKTSSILK[Asp472Glu]KEPIKGKEEK